The following is an entry in ClinVar:

NM_001089.3(ABCA3):c.2994C>T (p.Arg998=)

Gene: ABCA3 (ATP binding cassette subfamily A member 3; minus strand). Cytogenetic location: 16p13.3.
Variant type: single nucleotide variant.
Coding change: c.2994C>T on transcript NM_001089.3 (MANE Select); coding-DNA position 2994, C replaced by T.
Protein change: p.Arg998=; no amino-acid change (arginine 998 retained).
Molecular consequence: synonymous variant.
Genome position (GRCh38, 1-based): chr16:2,288,036, G>A on the plus strand (C>T on the coding strand, the complement: ABCA3 is on the minus strand). VCF-style: chr16-2288036-G-A. GRCh37 (hg19) VCF-style: chr16-2338037-G-A.
Identifiers: ClinVar variation 318430 (VCV000318430.35), dbSNP rs748766458, ClinGen allele CA7840650.

ClinVar aggregate classification (germline): Conflicting classifications of pathogenicity. Review status: criteria provided, conflicting classifications (1 of 4 stars). 4 submissions from 4 submitters: Uncertain significance (1); Likely benign (3). Last evaluated 2026-01-18.

Conditions:
Hereditary pulmonary alveolar proteinosis. Also called: Pulmonary surfactant metabolism dysfunction. Identifiers: Orphanet 264675, MedGen C3711368, MONDO:0012580.
Interstitial lung disease due to ABCA3 deficiency. Also called: PULMONARY ALVEOLAR PROTEINOSIS, CONGENITAL, 3. Identifiers: Orphanet 440402, MedGen C1970456, MONDO:0012582, OMIM 610921.

Allele frequency attached by ClinVar (database versions not stated): TOPMed 0.00001; ExAC 0.00003; gnomAD exomes 0.00005; gnomAD 0.00007 and 0.00008.
gnomAD v4.1: 51 of 1,607,476 alleles (0.0032%); highest among the groups gnomAD compares: Middle Eastern, 0.069%; no homozygotes.

Submissions (6):

Labcorp Genetics (formerly Invitae), Labcorp
Classification: Likely benign. Last evaluated: 2026-01-18. Review status: criteria provided, single submitter. Criteria: Invitae Variant Classification Sherloc (09022015). Collection method: clinical testing. Allele origin: germline.

CeGaT Center for Human Genetics Tuebingen
Classification: Likely benign. Last evaluated: 2023-10-01. Review status: criteria provided, single submitter. Criteria: CeGaT Center For Human Genetics Tuebingen Variant Classification Criteria Version 2. Collection method: clinical testing. Allele origin: germline. Affected: yes. Observed: 1 variant allele.
Comment: ABCA3: BP4, BP7

Ambry Genetics
Classification: Likely benign for Hereditary pulmonary alveolar proteinosis. Last evaluated: 2022-06-12. Review status: criteria provided, single submitter. Criteria: Ambry Variant Classification Scheme 2023. Collection method: clinical testing. Allele origin: germline.

Illumina Laboratory Services, Illumina
Classification: Uncertain significance for Interstitial lung disease due to ABCA3 deficiency. Last evaluated: 2018-01-12. Review status: criteria provided, single submitter. Criteria: ICSL Variant Classification Criteria 13 December 2019. Collection method: clinical testing. Allele origin: germline.

Dr. Peter K. Rogan Lab, Western University
No classification provided (evidence only). Condition: Lung cancer. Review status: no classification provided. Collection method: in vitro. Allele origin: not applicable. Functional consequence: retained intron. Not counted in ClinVar's aggregate classification.

Dr. Peter K. Rogan Lab, Western University
No classification provided (evidence only). Condition: Colon adenocarcinoma. Review status: no classification provided. Collection method: in vitro. Allele origin: not applicable. Functional consequence: retained intron. Not counted in ClinVar's aggregate classification.